The following is an entry in ClinVar:

ClinVar aggregate classification (germline): Likely pathogenic (1 of 4 stars; one submission).

Conditions:
Congenital adrenal hyperplasia. Identifiers: Orphanet 418, MedGen C0001627, MONDO:0018479, HP:0008258.

Submission:

Women's Health and Genetics/Laboratory Corporation of America, LabCorp
Classification: Likely pathogenic for Congenital adrenal hyperplasia. Last evaluated: 2024-06-26. Review status: criteria provided, single submitter. Criteria: LabCorp Variant Classification Summary - May 2015. Collection method: clinical testing. Allele origin: germline.
Comment: Variant summary: CYP21A2 c.449G>C (p.Arg150Pro) results in a non-conservative amino acid change in the encoded protein sequence. Three of five in-silico tools predict a benign effect of the variant on protein function. Consensus agreement among computation tools predict no significant impact on normal splicing. However, these predictions have yet to be confirmed by functional studies. The variant allele was found at a frequency of 4.5e-06 in 220104 control chromosomes. c.449G>C has been reported in the literature in homozygous and compound heterozygous individuals affected with Congenital Adrenal Hyperplasia (Chu_2014, Wang_2020, Wan_2023). These data indicate that the variant is likely to be associated with disease. At least one publication reports experimental evidence evaluating an impact on protein function. The most pronounced variant effect results in 10%-<30% of normal activity for the conversion of progesterone and 17-hydroxyprogesterone in an in vitro assay (Chu_2014). The following publications have been ascertained in the context of this evaluation (PMID: 23927611, 36167262, 33552137, 33864926). No submitters have cited clinical-significance assessments for this variant to ClinVar. Based on the evidence outlined above, the variant was classified as likely pathogenic.

Literature cited by the submitters: PubMed 33864926; PubMed 36167262; PubMed 23927611; PubMed 33552137.

NM_000500.9(CYP21A2):c.449G>C (p.Arg150Pro)

Genes: CYP21A2 (cytochrome P450 family 21 subfamily A member 2; plus strand), LOC106780800 (CYP21A2 recombination region; plus strand). Cytogenetic location: 6p21.33.
Variant type: single nucleotide variant.
Coding change: c.449G>C on transcript NM_000500.9 (MANE Select); coding-DNA position 449, G replaced by C.
Protein change: p.Arg150Pro; replaces arginine 150 with proline.
Molecular consequence: missense variant.
Genome position (GRCh38, 1-based): chr6:32,039,357, G>C. VCF-style: chr6-32039357-G-C. GRCh37 (hg19) VCF-style: chr6-32007134-G-C.
Other names: c.359G>C, p.Arg120Pro (NM_001128590.4); c.44G>C, p.Arg15Pro (NM_001368143.2, NM_001368144.2); short protein forms R120P, R150P, R15P.
Identifiers: ClinVar variation 3339653 (VCV003339653.1).